The following is an entry in ClinVar:

ClinVar aggregate classification (germline): Likely benign (0 of 4 stars; one submission).

Conditions:
MS4A2-related disorder. Also called: MS4A2-related condition.

Submission:

PreventionGenetics, part of Exact Sciences
Classification: Likely benign for MS4A2-related condition. Last evaluated: 2019-06-05. Review status: no assertion criteria provided. Collection method: clinical testing. Allele origin: germline.
Comment: This variant is classified as likely benign based on ACMG/AMP sequence variant interpretation guidelines (Richards et al. 2015 PMID: 25741868, with internal and published modifications).

NM_000139.5(MS4A2):c.57-3_57-2del

Gene: MS4A2 (membrane spanning 4-domains A2; plus strand). Cytogenetic location: 11q12.1.
Variant type: Microsatellite.
Coding change: c.57-3_57-2del on transcript NM_000139.5 (MANE Select); 3 bases into the intron before coding-DNA position 57 through the canonical splice acceptor site of the intron before coding-DNA position 57, 2 bases deleted (CA; older notation c.57-3_57-2delCA).
Molecular consequence: splice acceptor variant.
Genome position (GRCh38, 1-based): chr11:60,089,689-60,089,690, CA deleted; deleting any 2 consecutive bases within chr11:60,089,687-60,089,690 gives the same sequence; the c. name uses the placement nearest the transcript's 3' end. VCF-style (leftmost placement, unchanged base first): chr11-60089686-TCA-T. GRCh37 (hg19) VCF-style: chr11-59857159-TCA-T.
Other names: c.57-3_57-2del (NM_001256916.2).
Identifiers: ClinVar variation 3044323 (VCV003044323.2), dbSNP rs547623624, ClinGen allele CA6022659.
Genomic context (GRCh38, chr11:60,089,686, plus strand): 5'-TGTCGAGAATGTTGCACAGGGAGTTACAGAATGTTCTCATGACTGAATTGCTTTTAAATT[TCA>T]CAGTGTGCCTGCATTTGAAGTCTTGGAAATATCTCCCCAGGAAGTATCTTCAGGCAGACT-3'